The following is an entry in ClinVar:

NM_006118.4(HAX1):c.545G>A (p.Arg182Lys)

Gene: HAX1 (HCLS1 associated protein X-1; plus strand). Cytogenetic location: 1q21.3.
Variant type: single nucleotide variant.
Coding change: c.545G>A on transcript NM_006118.4 (MANE Select); coding-DNA position 545, G replaced by A.
Protein change: p.Arg182Lys; replaces arginine 182 with lysine.
Molecular consequence: missense variant.
Genome position (GRCh38, 1-based): chr1:154,274,990, G>A. VCF-style: chr1-154274990-G-A. GRCh37 (hg19) VCF-style: chr1-154247466-G-A.
Other names: c.401G>A, p.Arg134Lys (NM_001018837.2); short protein forms R134K, R182K.
Identifiers: ClinVar variation 4033874 (VCV004033874.1).

ClinVar aggregate classification (germline): Uncertain significance (1 of 4 stars; one submission).

Conditions:
Inborn genetic diseases. Identifiers: MedGen C0950123, MeSH D030342.

gnomAD v4.1: 2 of 1,610,982 alleles (0.00012%); highest among the groups gnomAD compares: Non-Finnish European, 0.00017%; no homozygotes.

Submission:

Ambry Genetics
Classification: Uncertain significance for Inborn genetic diseases. Last evaluated: 2025-06-07. Review status: criteria provided, single submitter. Criteria: Ambry Variant Classification Scheme 2023. Collection method: clinical testing. Allele origin: germline.
Comment: The p.R182K variant (also known as c.545G>A), located in coding exon 4 of the HAX1 gene, results from a G to A substitution at nucleotide position 545. The arginine at codon 182 is replaced by lysine, an amino acid with highly similar properties. This amino acid position is conserved. In addition, this alteration is predicted to be tolerated by in silico analysis. Based on the available evidence, the clinical significance of this variant remains unclear.